The following is an entry in ClinVar:

ClinVar aggregate classification (germline): Uncertain significance (1 of 4 stars; one submission).

Conditions:
Inborn genetic diseases. Identifiers: MedGen C0950123, MeSH D030342.

Submission:

Ambry Genetics
Classification: Uncertain significance for Inborn genetic diseases. Last evaluated: 2024-12-14. Review status: criteria provided, single submitter. Criteria: Ambry Variant Classification Scheme 2023. Collection method: clinical testing. Allele origin: germline.
Comment: The p.P753L variant (also known as c.2258C>T), located in coding exon 13 of the ASXL1 gene, results from a C to T substitution at nucleotide position 2258. The proline at codon 753 is replaced by leucine, an amino acid with similar properties. This amino acid position is conserved. In addition, this alteration is predicted to be tolerated by in silico analysis. Based on the available evidence, the clinical significance of this variant remains unclear.

NM_015338.6(ASXL1):c.2258C>T (p.Pro753Leu)

Gene: ASXL1 (ASXL transcriptional regulator 1; plus strand). Cytogenetic location: 20q11.21.
Variant type: single nucleotide variant.
Coding change: c.2258C>T on transcript NM_015338.6 (MANE Select); coding-DNA position 2258, C replaced by T.
Protein change: p.Pro753Leu; replaces proline 753 with leucine.
Molecular consequence: missense variant.
Genome position (GRCh38, 1-based): chr20:32,434,970, C>T. VCF-style: chr20-32434970-C-T. GRCh37 (hg19) VCF-style: chr20-31022773-C-T.
Other names: c.2075C>T, p.Pro692Leu (NM_001363734.1); short protein forms P753L, P692L.
Identifiers: ClinVar variation 3791251 (VCV003791251.1).